The following is an entry in ClinVar:

ClinVar aggregate classification (germline): Uncertain significance (1 of 4 stars; one submission).

Conditions:
Inborn genetic diseases. Identifiers: MedGen C0950123, MeSH D030342.

gnomAD v4.1: 1 of 1,614,128 alleles (0.000062%); highest among the groups gnomAD compares: Non-Finnish European, 0.000085%; no homozygotes.

Submission:

Ambry Genetics
Classification: Uncertain significance for Inborn genetic diseases. Last evaluated: 2025-08-04. Review status: criteria provided, single submitter. Criteria: Ambry Variant Classification Scheme 2023. Collection method: clinical testing. Allele origin: germline.
Comment: The p.L593V variant (also known as c.1777C>G), located in coding exon 8 of the MECOM gene, results from a C to G substitution at nucleotide position 1777. The leucine at codon 593 is replaced by valine, an amino acid with highly similar properties. This amino acid position is conserved. In addition, this alteration is predicted to be tolerated by in silico analysis. Based on the available evidence, the clinical significance of this variant remains unclear.

NM_004991.4(MECOM):c.1777C>G (p.Leu593Val)

Gene: MECOM (MDS1 and EVI1 complex locus; minus strand). Cytogenetic location: 3q26.2.
Variant type: single nucleotide variant.
Coding change: c.1777C>G on transcript NM_004991.4 (MANE Select); coding-DNA position 1777, C replaced by G.
Protein change: p.Leu593Val; replaces leucine 593 with valine.
Molecular consequence: missense variant. On other transcripts: intron variant (2).
Genome position (GRCh38, 1-based): chr3:169,116,095, G>C on the plus strand (C>G on the coding strand, the complement: MECOM is on the minus strand). VCF-style: chr3-169116095-G-C. GRCh37 (hg19) VCF-style: chr3-168833883-G-C.
Other names: c.1408C>G, p.Leu470Val (NM_001105077.4); c.1213C>G, p.Leu405Val (NM_001105078.4, NM_001164000.2, NM_001205194.2 and 4 more transcripts); c.1216C>G, p.Leu406Val (NM_001163999.2, NM_001366467.2, NM_001366468.2 and 1 more transcripts); c.1777C>G, p.Leu593Val (NM_001366466.2); c.1133-328C>G (NM_001366473.2); c.569-328C>G (NM_001366474.2); short protein forms L470V, L406V, L593V, L405V.
Identifiers: ClinVar variation 4105827 (VCV004105827.1).